The following is an entry in ClinVar:

NM_016562.4(TLR7):c.2156C>T (p.Ser719Phe)

Gene: TLR7 (toll like receptor 7; plus strand). Cytogenetic location: Xp22.2.
Variant type: single nucleotide variant.
Coding change: c.2156C>T on transcript NM_016562.4 (MANE Select); coding-DNA position 2156, C replaced by T.
Protein change: p.Ser719Phe; replaces serine 719 with phenylalanine.
Molecular consequence: missense variant.
Genome position (GRCh38, 1-based): chrX:12,887,664, C>T. VCF-style: chrX-12887664-C-T. GRCh37 (hg19) VCF-style: chrX-12905783-C-T.
Other names: short protein forms S719F.
Identifiers: ClinVar variation 2124403 (VCV002124403.4), dbSNP rs749152929, ClinGen allele CA10350062.

ClinVar aggregate classification (germline): Uncertain significance (1 of 4 stars; one submission).

Allele frequency attached by ClinVar (database versions not stated): gnomAD exomes below 0.00001; ExAC 0.00001.
gnomAD v4.1: 1 of 1,211,239 alleles (0.000083%); highest among the groups gnomAD compares: South Asian, 0.0018%; no homozygotes.

Submission:

Labcorp Genetics (formerly Invitae), Labcorp
Classification: Uncertain significance. Last evaluated: 2024-03-24. Review status: criteria provided, single submitter. Criteria: Invitae Variant Classification Sherloc (09022015). Collection method: clinical testing. Allele origin: germline.
Comment: This sequence change replaces serine, which is neutral and polar, with phenylalanine, which is neutral and non-polar, at codon 719 of the TLR7 protein (p.Ser719Phe). This variant is present in population databases (rs749152929, gnomAD 0.005%). This variant has not been reported in the literature in individuals affected with TLR7-related conditions. ClinVar contains an entry for this variant (Variation ID: 2124403). An algorithm developed to predict the effect of missense changes on protein structure and function (PolyPhen-2) suggests that this variant is likely to be tolerated. In summary, the available evidence is currently insufficient to determine the role of this variant in disease. Therefore, it has been classified as a Variant of Uncertain Significance.